The following is an entry in ClinVar:

NM_000046.5(ARSB):c.916_917del (p.Leu306fs)

Gene: ARSB (arylsulfatase B; minus strand). Cytogenetic location: 5q14.1.
Variant type: Deletion.
Coding change: c.916_917del on transcript NM_000046.5 (MANE Select); coding-DNA positions 916 to 917, 2 bases deleted (TT; older notation c.916_917delTT).
Protein change: p.Leu306fs; shifts the reading frame from leucine 306.
Molecular consequence: frameshift variant.
Genome position (GRCh38, 1-based): chr5:78,885,809-78,885,810, AA deleted on the plus strand (TT on the coding strand, the reverse complement: ARSB is on the minus strand); deleting any 2 consecutive bases within chr5:78,885,809-78,885,811 gives the same sequence; the c. name uses the placement nearest the transcript's 3' end. VCF-style (leftmost placement, unchanged base first): chr5-78885808-CAA-C. GRCh37 (hg19) VCF-style: chr5-78181631-CAA-C.
Other names: c.916_917del, p.Leu306fs (NM_198709.3); short protein forms L306fs.
Identifiers: ClinVar variation 2739484 (VCV002739484.3), dbSNP rs1748005026, ClinGen allele CA1557649835.

ClinVar aggregate classification (germline): Pathogenic (1 of 4 stars; one submission).

Conditions:
Mucopolysaccharidosis type 6 (MPS6). Also called: MPS VI; N-ACETYLGALACTOSAMINE-4-SULFATASE DEFICIENCY; ARSB DEFICIENCY; ARYLSULFATASE B DEFICIENCY; MPS 6; Maroteaux Lamy syndrome. Identifiers: Orphanet 583, MedGen C0026709, MONDO:0009661, OMIM 253200.

Submission:

Labcorp Genetics (formerly Invitae), Labcorp
Classification: Pathogenic for Mucopolysaccharidosis type 6. Last evaluated: 2023-12-03. Review status: criteria provided, single submitter. Criteria: Invitae Variant Classification Sherloc (09022015). Collection method: clinical testing. Allele origin: germline.
Comment: This sequence change creates a premature translational stop signal (p.Leu306Glyfs*4) in the ARSB gene. It is expected to result in an absent or disrupted protein product. Loss-of-function variants in ARSB are known to be pathogenic (PMID: 17458871, 22133300). This variant is not present in population databases (gnomAD no frequency). This variant has not been reported in the literature in individuals affected with ARSB-related conditions. For these reasons, this variant has been classified as Pathogenic.

Literature cited by the submitters: PubMed 17458871; PubMed 22133300.